The following is an entry in ClinVar:

ClinVar aggregate classification (germline): Pathogenic/Likely pathogenic. Review status: criteria provided, multiple submitters, no conflicts (2 of 4 stars). 3 submissions from 3 submitters: Pathogenic (1); Likely pathogenic (2). Last evaluated 2024-08-26.

Conditions:
SYNE4-related disorder. Also called: SYNE4-related condition.
Autosomal recessive nonsyndromic hearing loss 76. Also called: Deafness, autosomal recessive 76. Identifiers: Orphanet 90636, MedGen C3147083, MONDO:0014237, OMIM 615540.

Allele frequency attached by ClinVar (database versions not stated): gnomAD 0.00002 and 0.00003; gnomAD exomes 0.00003; TOPMed 0.00003; ExAC 0.00012.

Submissions (3):

Blueprint Genetics
Classification: Likely pathogenic for SYNE4-related disorders. Last evaluated: 2024-08-26. Review status: criteria provided, single submitter. Criteria: ACMG Guidelines, 2015. Collection method: clinical testing. Allele origin: germline. Affected: yes. Observed: 3 variant alleles.

Fulgent Genetics
Classification: Likely pathogenic for Autosomal recessive nonsyndromic hearing loss 76. Last evaluated: 2024-06-06. Review status: criteria provided, single submitter. Criteria: ACMG Guidelines, 2015. Collection method: clinical testing. Allele origin: germline.

Labcorp Genetics (formerly Invitae), Labcorp
Classification: Pathogenic. Last evaluated: 2024-02-16. Review status: criteria provided, single submitter. Criteria: Invitae Variant Classification Sherloc (09022015). Collection method: clinical testing. Allele origin: germline.
Comment: This sequence change creates a premature translational stop signal (p.Arg148*) in the SYNE4 gene. It is expected to result in an absent or disrupted protein product. Loss-of-function variants in SYNE4 are known to be pathogenic (PMID: 23348741, 28958982). This variant is present in population databases (rs754343113, gnomAD 0.004%). This variant has not been reported in the literature in individuals affected with SYNE4-related conditions. ClinVar contains an entry for this variant (Variation ID: 1400229). For these reasons, this variant has been classified as Pathogenic.

Literature cited by the submitters: PubMed 23348741 (cited by Labcorp Genetics (formerly Invitae), Labcorp); PubMed 28958982 (cited by Labcorp Genetics (formerly Invitae), Labcorp).

NM_001039876.3(SYNE4):c.442C>T (p.Arg148Ter)

Gene: SYNE4 (spectrin repeat containing nuclear envelope family member 4; minus strand). Cytogenetic location: 19q13.12.
Variant type: single nucleotide variant.
Coding change: c.442C>T on transcript NM_001039876.3 (MANE Select); coding-DNA position 442, C replaced by T.
Protein change: p.Arg148Ter; replaces arginine 148 with a stop codon.
Molecular consequence: nonsense. On other transcripts: intron variant (1).
Genome position (GRCh38, 1-based): chr19:36,006,926, G>A on the plus strand (C>T on the coding strand, the complement: SYNE4 is on the minus strand). VCF-style: chr19-36006926-G-A. GRCh37 (hg19) VCF-style: chr19-36497828-G-A.
Other names: c.280-255C>T (NM_001297735.3); short protein forms R148*.
Identifiers: ClinVar variation 1400229 (VCV001400229.8), dbSNP rs754343113, ClinGen allele CA9393926.